The following is an entry in ClinVar:

ClinVar aggregate classification (germline): Conflicting classifications of pathogenicity. Review status: criteria provided, conflicting classifications (1 of 4 stars). 4 submissions from 4 submitters: Likely pathogenic (2); Uncertain significance (2). Last evaluated 2025-11-25.

Conditions:
Hereditary spastic paraplegia 7 (SPG7). Also called: Spastic paraplegia 7; Hereditary spastic paraplegia Paraplegin type; Autosomal recessive spastic paraplegia type 7; SPASTIC PARAPLEGIA 7, AUTOSOMAL RECESSIVE, WITH OR WITHOUT CEREBELLAR ATAXIA; SPG7-related neurologic disorder. Identifiers: Orphanet 99013, MedGen C1846564, MONDO:0011803, OMIM 607259.
SPG7-related disorder. Also called: SPG7-related condition.

gnomAD v4.1: 15 of 1,614,126 alleles (0.00093%); highest among the groups gnomAD compares: Middle Eastern, 0.017%; no homozygotes.

Submissions (4):

Variantyx, Inc.
Classification: Likely pathogenic for Hereditary spastic paraplegia 7. Last evaluated: 2025-11-25. Review status: criteria provided, single submitter. Criteria: Variantyx Assertion Criteria 2022. Collection method: clinical testing. Allele origin: germline. Inheritance: Autosomal recessive inheritance. Affected: yes.
Comment: This is a nonsynonymous variant in the SPG7 gene (OMIM: 602783). Pathogenic variants in this gene have been associated with autosomal recessive spastic paraplegia 7. Multiple computational algorithms predict a deleterious effect for this variant (REVEL score: 0.954) (PP3). The variant has a 0.0055% maximum allele frequency in non-founder control populations (PM2). Based on the current evidence, this variant is classified as likely pathogenic for autosomal recessive spastic paraplegia 7.

Labcorp Genetics (formerly Invitae), Labcorp
Classification: Uncertain significance for Hereditary spastic paraplegia 7. Last evaluated: 2025-06-10. Review status: criteria provided, single submitter. Criteria: Invitae Variant Classification Sherloc (09022015). Collection method: clinical testing. Allele origin: germline.
Comment: This sequence change replaces glycine, which is neutral and non-polar, with aspartic acid, which is acidic and polar, at codon 344 of the SPG7 protein (p.Gly344Asp). This variant is present in population databases (rs754919982, gnomAD 0.006%). This missense change has been observed in individuals with spastic paraplegia (PMID: 21623769, 27084228). Invitae Evidence Modeling of protein sequence and biophysical properties (such as structural, functional, and spatial information, amino acid conservation, physicochemical variation, residue mobility, and thermodynamic stability) indicates that this missense variant is expected to disrupt SPG7 protein function with a positive predictive value of 80%. In summary, the available evidence is currently insufficient to determine the role of this variant in disease. Therefore, it has been classified as a Variant of Uncertain Significance.

Athena Diagnostics
Classification: Uncertain significance. Last evaluated: 2025-03-03. Review status: criteria provided, single submitter. Criteria: Athena Diagnostics Criteria. Collection method: clinical testing. Allele origin: unknown.
Comment: Available data are insufficient to determine the clinical significance of the variant at this time. The frequency of this variant in the general population is uninformative in assessment of its pathogenicity. This variant has been identified in at least one individual with clinical features associated with this gene. Polyphen and MutationTaster predict this amino acid change may be damaging to the protein. The variant is located in a region that is considered important for protein function and/or structure.

Blueprint Genetics
Classification: Likely pathogenic for SPG7-related disorders. Last evaluated: 2023-07-10. Review status: criteria provided, single submitter. Criteria: ACMG Guidelines, 2015. Collection method: clinical testing. Allele origin: germline. Affected: yes. Observed: 3 variant alleles.

Literature cited by the submitters: PubMed 21623769 (cited by 3 submitters); PubMed 27084228 (cited by 3 submitters); PubMed 25299611 (cited by Athena Diagnostics).

NM_003119.4(SPG7):c.1031G>A (p.Gly344Asp)

Gene: SPG7 (SPG7 matrix AAA peptidase subunit, paraplegin; plus strand). Cytogenetic location: 16q24.3.
Variant type: single nucleotide variant.
Coding change: c.1031G>A on transcript NM_003119.4 (MANE Select); coding-DNA position 1031, G replaced by A.
Protein change: p.Gly344Asp; replaces glycine 344 with aspartic acid.
Molecular consequence: missense variant.
Genome position (GRCh38, 1-based): chr16:89,531,947, G>A. VCF-style: chr16-89531947-G-A. GRCh37 (hg19) VCF-style: chr16-89598355-G-A.
Other names: c.1031G>A, p.Gly344Asp (NM_001363850.1, NM_199367.3); short protein forms G344D.
Identifiers: ClinVar variation 4682157 (VCV004682157.4).